The following is an entry in ClinVar:

NM_001142800.2(EYS):c.3106G>T (p.Gly1036Ter)

Gene: EYS (EGF-like photoreceptor maintenance factor; minus strand). Cytogenetic location: 6q12.
Variant type: single nucleotide variant.
Coding change: c.3106G>T on transcript NM_001142800.2 (MANE Select); coding-DNA position 3106, G replaced by T.
Protein change: p.Gly1036Ter; replaces glycine 1036 with a stop codon.
Molecular consequence: nonsense.
Genome position (GRCh38, 1-based): chr6:64,822,709, C>A on the plus strand (G>T on the coding strand, the complement: EYS is on the minus strand). VCF-style: chr6-64822709-C-A. GRCh37 (hg19) VCF-style: chr6-65532602-C-A.
Other names: c.3106G>T, p.Gly1036Ter (NM_001292009.2); short protein forms G1036*.
Identifiers: ClinVar variation 2004666 (VCV002004666.5), dbSNP rs2533169075, ClinGen allele CA364787543.
Genomic context (GRCh38, chr6:64,822,709, plus strand): 5'-ACCTTCCATGTAGACAAGGATTTGAAAGGCAATCATTGGCGTTTGTTTCACAGTGTGTTC[C>A]AAAAAACCCACTCTTGCAGTCACAGGTATAATGATTGATGCCATCGATACAAACTCCATC-3'

ClinVar aggregate classification (germline): Pathogenic/Likely pathogenic. Review status: criteria provided, multiple submitters, no conflicts (2 of 4 stars). 2 submissions from 2 submitters: Pathogenic (1); Likely pathogenic (1). Last evaluated 2023-04-10.

Conditions:
Retinitis pigmentosa 25 (RP25). Identifiers: Orphanet 791, MedGen C1864446, MONDO:0011272, OMIM 602772.

Submissions (2):

Baylor Genetics
Classification: Likely pathogenic for Retinitis pigmentosa 25. Last evaluated: 2023-04-10. Review status: criteria provided, single submitter. Criteria: ACMG Guidelines, 2015. Collection method: clinical testing. Allele origin: unknown.

Labcorp Genetics (formerly Invitae), Labcorp
Classification: Pathogenic. Last evaluated: 2022-06-11. Review status: criteria provided, single submitter. Criteria: Invitae Variant Classification Sherloc (09022015). Collection method: clinical testing. Allele origin: germline.
Comment: For these reasons, this variant has been classified as Pathogenic. This variant has not been reported in the literature in individuals affected with EYS-related conditions. This variant is not present in population databases (gnomAD no frequency). This sequence change creates a premature translational stop signal (p.Gly1036*) in the EYS gene. It is expected to result in an absent or disrupted protein product. Loss-of-function variants in EYS are known to be pathogenic (PMID: 18836446, 20333770).

Literature cited by the submitters: PubMed 18836446 (cited by Labcorp Genetics (formerly Invitae), Labcorp); PubMed 20333770 (cited by Labcorp Genetics (formerly Invitae), Labcorp).